The following is an entry in ClinVar:

NM_001783.4(CD79A):c.677C>A (p.Pro226Gln)

Genes: CD79A (CD79a molecule; plus strand), RPS19-CD79A (RPS19-CD79A readthrough; plus strand). Cytogenetic location: 19q13.2.
Variant type: single nucleotide variant.
Coding change: c.677C>A on transcript NM_001783.4 (MANE Select); coding-DNA position 677, C replaced by A.
Protein change: p.Pro226Gln; replaces proline 226 with glutamine.
Molecular consequence: missense variant.
Genome position (GRCh38, 1-based): chr19:41,880,976, C>A. VCF-style: chr19-41880976-C-A. GRCh37 (hg19) VCF-style: chr19-42385043-C-A.
Other names: c.563C>A, p.Pro188Gln (NM_021601.4); short protein forms P226Q, P188Q.
Identifiers: ClinVar variation 860381 (VCV000860381.9), dbSNP rs1555844167, ClinGen allele CA406038432.

ClinVar aggregate classification (germline): Uncertain significance (1 of 4 stars; one submission).

Conditions:
Agammaglobulinemia 3, autosomal recessive (AGM3). Also called: AGAMMAGLOBULINEMIA 3; AGAMMAGLOBULINEMIA, AUTOSOMAL RECESSIVE, DUE TO CD79A DEFECT. Identifiers: MedGen C3150751, MONDO:0013288, OMIM 613501.

Submission:

Labcorp Genetics (formerly Invitae), Labcorp
Classification: Uncertain significance for Agammaglobulinemia 3, autosomal recessive. Last evaluated: 2020-07-20. Review status: criteria provided, single submitter. Criteria: Invitae Variant Classification Sherloc (09022015). Collection method: clinical testing. Allele origin: germline.
Comment: In summary, the available evidence is currently insufficient to determine the role of this variant in disease. Therefore, it has been classified as a Variant of Uncertain Significance. Algorithms developed to predict the effect of missense changes on protein structure and function are either unavailable or do not agree on the potential impact of this missense change (SIFT: "Deleterious"; PolyPhen-2: "Probably Damaging"; Align-GVGD: "Class C0"). This variant has not been reported in the literature in individuals with CD79A-related conditions. This variant is not present in population databases (ExAC no frequency). This sequence change replaces proline with glutamine at codon 226 of the CD79A protein (p.Pro226Gln). The proline residue is moderately conserved and there is a moderate physicochemical difference between proline and glutamine.